The following is an entry in ClinVar:

NM_000419.5(ITGA2B):c.670+6T>G

Gene: ITGA2B (integrin subunit alpha 2b; minus strand). Cytogenetic location: 17q21.31.
Variant type: single nucleotide variant.
Coding change: c.670+6T>G on transcript NM_000419.5 (MANE Select); 6 bases into the intron after coding-DNA position 670, T replaced by G.
Molecular consequence: intron variant.
Genome position (GRCh38, 1-based): chr17:44,385,158, A>C on the plus strand (T>G on the coding strand, the complement: ITGA2B is on the minus strand). VCF-style: chr17-44385158-A-C. GRCh37 (hg19) VCF-style: chr17-42462526-A-C.
Identifiers: ClinVar variation 2728435 (VCV002728435.3), dbSNP rs767165916, ClinGen allele CA290955186.

ClinVar aggregate classification (germline): Uncertain significance (1 of 4 stars; one submission).

Conditions:
Glanzmann thrombasthenia. Also called: Glanzmann's thrombasthenia; Thrombasthenia; BLEEDING DISORDER, PLATELET-TYPE, 2; THROMBASTHENIA OF GLANZMANN AND NAEGELI; PLATELET GLYCOPROTEIN IIb-IIIa DEFICIENCY. Identifiers: Orphanet 849, MedGen C0040015, MONDO:0100326.

Allele frequency attached by ClinVar (database versions not stated): gnomAD 0.00002; TOPMed 0.00004.
gnomAD v4.1: 22 of 1,613,960 alleles (0.0014%); highest among the groups gnomAD compares: African/African-American, 0.0027%; no homozygotes.

Submission:

Labcorp Genetics (formerly Invitae), Labcorp
Classification: Uncertain significance for Glanzmann thrombasthenia. Last evaluated: 2026-01-26. Review status: criteria provided, single submitter. Criteria: Invitae Variant Classification Sherloc (09022015). Collection method: clinical testing. Allele origin: germline.
Comment: This sequence change falls in intron 6 of the ITGA2B gene. It does not directly change the encoded amino acid sequence of the ITGA2B protein. It affects a nucleotide within the consensus splice site. This variant is present in population databases (no rsID available, gnomAD 0.002%). This variant has not been reported in the literature in individuals affected with ITGA2B-related conditions. ClinVar contains an entry for this variant (Variation ID: 2728435). Variants that disrupt the consensus splice site are a relatively common cause of aberrant splicing (PMID: 17576681, 9536098). Algorithms developed to predict the effect of sequence changes on RNA splicing suggest that this variant may disrupt the consensus splice site. In summary, the available evidence is currently insufficient to determine the role of this variant in disease. Therefore, it has been classified as a Variant of Uncertain Significance.

Literature cited by the submitters: PubMed 17576681; PubMed 9536098.